The following is an entry in ClinVar:

NM_004415.4(DSP):c.5855del (p.Glu1952fs)

Gene: DSP (desmoplakin; plus strand). Cytogenetic location: 6p24.3.
Variant type: Deletion.
Coding change: c.5855del on transcript NM_004415.4 (MANE Select); coding-DNA position 5855, one base deleted (A; older notation c.5855delA).
Protein change: p.Glu1952fs; shifts the reading frame from glutamic acid 1952.
Molecular consequence: frameshift variant.
Genome position (GRCh38, 1-based): chr6:7,583,117, A deleted. VCF-style (leftmost placement, unchanged base first): chr6-7583116-GA-G. GRCh37 (hg19) VCF-style: chr6-7583349-GA-G.
Other names: c.4058del, p.Glu1353fs (NM_001008844.3); c.4526del, p.Glu1509fs (NM_001319034.2); short protein forms E1952fs, E1353fs, E1509fs.
Identifiers: ClinVar variation 941359 (VCV000941359.8), dbSNP rs1759501217, ClinGen allele CA1139659418.

ClinVar aggregate classification (germline): Pathogenic (1 of 4 stars; one submission).

Conditions:
Arrhythmogenic right ventricular dysplasia 8 (ARVD8). Also called: Arrhythmogenic Right Ventricular Dysplasia/Cardiomyopathy 8; ARRHYTHMOGENIC RIGHT VENTRICULAR DYSPLASIA, FAMILIAL, 8; ARRHYTHMOGENIC RIGHT VENTRICULAR CARDIOMYOPATHY 8. Identifiers: MedGen C1843896, MONDO:0011831, OMIM 607450.
Arrhythmogenic cardiomyopathy with wooly hair and keratoderma. Also called: Carvajal syndrome; PALMOPLANTAR KERATODERMA WITH LEFT VENTRICULAR CARDIOMYOPATHY AND WOOLLY HAIR; Dilated cardiomyopathy with woolly hair and keratoderma; Arrhythmogenic cardiomyopathy with woolly hair and keratoderma. Identifiers: Orphanet 65282, MedGen C1854063, MONDO:0011581, OMIM 605676.

Submission:

Labcorp Genetics (formerly Invitae), Labcorp
Classification: Pathogenic for Arrhythmogenic cardiomyopathy with wooly hair and keratoderma; Arrhythmogenic right ventricular dysplasia 8. Last evaluated: 2024-10-15. Review status: criteria provided, single submitter. Criteria: Invitae Variant Classification Sherloc (09022015). Collection method: clinical testing. Allele origin: germline.
Comment: This sequence change creates a premature translational stop signal (p.Glu1952Glyfs*20) in the DSP gene. While this is not anticipated to result in nonsense mediated decay, it is expected to disrupt the last 920 amino acid(s) of the DSP protein. This variant is not present in population databases (gnomAD no frequency). This variant has not been reported in the literature in individuals affected with DSP-related conditions. ClinVar contains an entry for this variant (Variation ID: 941359). This variant disrupts a region of the DSP protein in which other variant(s) (p.Ser2168Argfs*18) have been determined to be pathogenic (PMID: 21859740, 28527814; internal data). This suggests that this is a clinically significant region of the protein, and that variants that disrupt it are likely to be disease-causing. For these reasons, this variant has been classified as Pathogenic.

Literature cited by the submitters: PubMed 21859740; PubMed 28527814.